The following is an entry in ClinVar:

NM_001382430.1(AKT1):c.989T>G (p.Val330Gly)

Gene: AKT1 (AKT serine/threonine kinase 1; minus strand). Cytogenetic location: 14q32.33.
Variant type: single nucleotide variant.
Coding change: c.989T>G on transcript NM_001382430.1 (MANE Select); coding-DNA position 989, T replaced by G.
Protein change: p.Val330Gly; replaces valine 330 with glycine.
Molecular consequence: missense variant.
Genome position (GRCh38, 1-based): chr14:104,773,061, A>C on the plus strand (T>G on the coding strand, the complement: AKT1 is on the minus strand). VCF-style: chr14-104773061-A-C. GRCh37 (hg19) VCF-style: chr14-105239398-A-C.
Other names: c.989T>G, p.Val330Gly (NM_001014431.2, NM_001014432.2, NM_001382431.1 and 3 more transcripts); short protein forms V330G.
Identifiers: ClinVar variation 1768529 (VCV001768529.2), dbSNP rs2140902610, ClinGen allele CA391217316.

ClinVar aggregate classification (germline): Uncertain significance (1 of 4 stars; one submission).

Conditions:
Inborn genetic diseases. Identifiers: MedGen C0950123, MeSH D030342.

Submission:

Ambry Genetics
Classification: Uncertain significance for Inborn genetic diseases. Last evaluated: 2022-02-22. Review status: criteria provided, single submitter. Criteria: Ambry Variant Classification Scheme 2023. Collection method: clinical testing. Allele origin: germline.
Comment: The p.V330G variant (also known as c.989T>G), located in coding exon 10 of the AKT1 gene, results from a T to G substitution at nucleotide position 989. The valine at codon 330 is replaced by glycine, an amino acid with dissimilar properties. This amino acid position is conserved. In addition, this alteration is predicted to be deleterious by in silico analysis. Since supporting evidence is limited at this time, the clinical significance of this alteration remains unclear.